The following is an entry in ClinVar:

ClinVar aggregate classification (germline): Uncertain significance. Review status: criteria provided, multiple submitters, no conflicts (2 of 4 stars). 2 submissions from 2 submitters: Uncertain significance (2). Last evaluated 2025-05-13.

Conditions:
Inborn genetic diseases. Identifiers: MedGen C0950123, MeSH D030342.

gnomAD v4.1: 4 of 1,614,198 alleles (0.00025%); highest among the groups gnomAD compares: Admixed American, 0.0017%; no homozygotes.

Submissions (2):

Ambry Genetics
Classification: Uncertain significance for Inborn genetic diseases. Last evaluated: 2025-05-13. Review status: criteria provided, single submitter. Criteria: Ambry Variant Classification Scheme 2023. Collection method: clinical testing. Allele origin: germline.

Labcorp Genetics (formerly Invitae), Labcorp
Classification: Uncertain significance. Last evaluated: 2024-10-28. Review status: criteria provided, single submitter. Criteria: Invitae Variant Classification Sherloc (09022015). Collection method: clinical testing. Allele origin: germline.
Comment: This sequence change replaces valine, which is neutral and non-polar, with methionine, which is neutral and non-polar, at codon 439 of the LARS2 protein (p.Val439Met). This variant is not present in population databases (gnomAD no frequency). This variant has not been reported in the literature in individuals affected with LARS2-related conditions. Invitae Evidence Modeling of protein sequence and biophysical properties (such as structural, functional, and spatial information, amino acid conservation, physicochemical variation, residue mobility, and thermodynamic stability) indicates that this missense variant is not expected to disrupt LARS2 protein function with a negative predictive value of 80%. In summary, the available evidence is currently insufficient to determine the role of this variant in disease. Therefore, it has been classified as a Variant of Uncertain Significance.

NM_015340.4(LARS2):c.1315G>A (p.Val439Met)

Genes: LARS2-AS1 (LARS2 antisense RNA 1; minus strand), LARS2 (leucyl-tRNA synthetase 2, mitochondrial; plus strand). Cytogenetic location: 3p21.31.
Variant type: single nucleotide variant.
Coding change: c.1315G>A on transcript NM_015340.4 (MANE Select); coding-DNA position 1315, G replaced by A.
Protein change: p.Val439Met; replaces valine 439 with methionine.
Molecular consequence: missense variant.
Genome position (GRCh38, 1-based): chr3:45,491,592, G>A. VCF-style: chr3-45491592-G-A. GRCh37 (hg19) VCF-style: chr3-45533084-G-A.
Other names: c.1315G>A, p.Val439Met (NM_001368263.1); c.1315G>A (NM_015340.3); short protein forms V439M.
Identifiers: ClinVar variation 3621479 (VCV003621479.3).